The following is an entry in ClinVar:

ClinVar aggregate classification (germline): Uncertain significance (1 of 4 stars; one submission).

Conditions:
Tay-Sachs disease (TSD). Also called: Hexosaminidase A Deficiency; HEXA DEFICIENCY; HEXA Disorders; GM2 gangliosidosis, type 1; Hexosaminidase alpha-subunit deficiency (variant B); Sphingolipidosis, Tay-Sachs. Identifiers: Orphanet 845, MedGen C0039373, MONDO:0010100, OMIM 272800.

Submission:

Labcorp Genetics (formerly Invitae), Labcorp
Classification: Uncertain significance for Tay-Sachs disease. Last evaluated: 2025-09-02. Review status: criteria provided, single submitter. Criteria: Invitae Variant Classification Sherloc (09022015). Collection method: clinical testing. Allele origin: germline.
Comment: This sequence change replaces histidine, which is basic and polar, with arginine, which is basic and polar, at codon 262 of the HEXA protein (p.His262Arg). This variant is not present in population databases (gnomAD no frequency). This variant has not been reported in the literature in individuals affected with HEXA-related conditions. ClinVar contains an entry for this variant (Variation ID: 1921781). Invitae Evidence Modeling of protein sequence and biophysical properties (such as structural, functional, and spatial information, amino acid conservation, physicochemical variation, residue mobility, and thermodynamic stability) indicates that this missense variant is expected to disrupt HEXA protein function with a positive predictive value of 95%. In summary, the available evidence is currently insufficient to determine the role of this variant in disease. Therefore, it has been classified as a Variant of Uncertain Significance.

NM_000520.6(HEXA):c.785A>G (p.His262Arg)

Gene: HEXA (hexosaminidase subunit alpha; minus strand). Cytogenetic location: 15q23.
Variant type: single nucleotide variant.
Coding change: c.785A>G on transcript NM_000520.6 (MANE Select); coding-DNA position 785, A replaced by G.
Protein change: p.His262Arg; replaces histidine 262 with arginine.
Molecular consequence: missense variant. On other transcripts: non-coding transcript variant (1).
Genome position (GRCh38, 1-based): chr15:72,350,538, T>C on the plus strand (A>G on the coding strand, the complement: HEXA is on the minus strand). VCF-style: chr15-72350538-T-C. GRCh37 (hg19) VCF-style: chr15-72642879-T-C.
Other names: c.818A>G, p.His273Arg (NM_001318825.2); short protein forms H262R, H273R.
Identifiers: ClinVar variation 1921781 (VCV001921781.5), dbSNP rs2542526276, ClinGen allele CA393063027.